The following is an entry in ClinVar:

NM_018972.4(GDAP1):c.373C>T (p.Arg125Ter)

Gene: GDAP1 (ganglioside induced differentiation associated protein 1; plus strand). Cytogenetic location: 8q21.11.
Variant type: single nucleotide variant.
Coding change: c.373C>T on transcript NM_018972.4 (MANE Select); coding-DNA position 373, C replaced by T.
Protein change: p.Arg125Ter; replaces arginine 125 with a stop codon.
Molecular consequence: nonsense. On other transcripts: intron variant (1).
Genome position (GRCh38, 1-based): chr8:74,360,199, C>T. VCF-style: chr8-74360199-C-T. GRCh37 (hg19) VCF-style: chr8-75272434-C-T.
Other names: c.169C>T, p.Arg57Ter (NM_001040875.4); c.46C>T, p.Arg16Ter (NM_001362929.2, NM_001362932.2); c.373C>T, p.Arg125Ter (NM_001362931.2); c.311-1685C>T (NM_001362930.2); short protein forms R125*, R16*, R57*.
Identifiers: ClinVar variation 217229 (VCV000217229.23), dbSNP rs745663149, ClinGen allele CA277623.

ClinVar aggregate classification (germline): Pathogenic. Review status: criteria provided, multiple submitters, no conflicts (2 of 4 stars). 14 submissions from 12 submitters: Pathogenic (13). 1 of the submissions does not count toward it. Last evaluated 2026-09-01.

Conditions:
Charcot-Marie-Tooth disease, axonal, with vocal cord paresis, autosomal recessive. Also called: CHARCOT-MARIE-TOOTH DISEASE, TYPE 4A, AXONAL FORM; CHARCOT-MARIE-TOOTH NEUROPATHY, AXONAL, WITH VOCAL CORD PARESIS, AUTOSOMAL RECESSIVE; CMT2 WITH VOCAL CORD PARESIS, AUTOSOMAL RECESSIVE. Identifiers: Orphanet 101097, MedGen C1843183, MONDO:0011898, OMIM 607706.
Charcot-Marie-Tooth disease axonal type 2K (CMT2K). Also called: Charcot-Marie-Tooth disease type 2K; CHARCOT-MARIE-TOOTH DISEASE, AXONAL, AUTOSOMAL RECESSIVE, TYPE 2K; CHARCOT-MARIE-TOOTH NEUROPATHY, AXONAL, TYPE 2K. Identifiers: Orphanet 101097, Orphanet 99944, MedGen C1842983, MONDO:0011916, OMIM 607831.
Charcot-Marie-Tooth disease type 4A. Also called: Charcot-Marie-Tooth disease, demyelinating, autosomal recessive, type 4a. Identifiers: Orphanet 99948, MedGen C1859198, MONDO:0008961, OMIM 214400.
Charcot-Marie-Tooth disease recessive intermediate A (CMTRIA). Also called: CHARCOT-MARIE-TOOTH NEUROPATHY, RECESSIVE INTERMEDIATE A. Identifiers: Orphanet 217055, MedGen C1842197, MONDO:0012014, OMIM 608340.
GDAP1-related disorder. Also called: GDAP1-related disorders; GDAP1-related condition.

Allele frequency attached by ClinVar (database versions not stated): gnomAD exomes below 0.00001 and 0.00002; gnomAD 0.00001; TOPMed 0.00001; ExAC 0.00002.
gnomAD v4.1: 8 of 1,613,204 alleles (0.0005%); highest among the groups gnomAD compares: East Asian, 0.0022%; no homozygotes.

Submissions (14):

CeGaT Center for Human Genetics Tuebingen
Classification: Pathogenic. Last evaluated: 2026-09-01. Review status: criteria provided, single submitter. Criteria: CeGaT Center For Human Genetics Tuebingen Variant Classification Criteria Version 2. Collection method: clinical testing. Allele origin: germline. Affected: yes. Observed: 4 variant alleles.
Comment: GDAP1: PVS1, PM2, PM3:Supporting

Dasa
Classification: Pathogenic. Last evaluated: 2026-04-17. Review status: criteria provided, single submitter. Criteria: DASA Assertion Criteria. Collection method: clinical testing. Allele origin: germline.
Comment: NM_018972.4(GDAP1):c.373C>T (p.Arg125*) introduces a premature termination codon predicted to result in loss of normal protein function. Loss-of-function is an established mechanism of disease for this gene. Segregation evidence has been reported in affected families. This variant has been observed in affected individuals with related phenotype in a genotype context consistent with recessive disease (PMID: 19500985; PMID: 21212451; PMID: 38523675). This variant has been recurrently observed in individuals with related phenotype (PMID: 19500985; PMID: 21212451; PMID: 38523675). The variant is present at low frequency in population datasets. Based on the available data, this variant is classified as pathogenic.

PreventionGenetics, part of Exact Sciences
Classification: Pathogenic for GDAP1-related condition. Last evaluated: 2026-03-10. Review status: criteria provided, single submitter. Criteria: ACMG Guidelines, 2015. Collection method: clinical testing. Allele origin: germline.
Comment: The GDAP1 c.373C>T variant is predicted to result in premature protein termination (p.Arg125*). This variant has been reported in the homozygous or compound heterozygous state in several individuals with autosomal recessive Charcot-Marie-Tooth disease (Moroni et al. 2009. PubMed ID: 19500985; Figueiredo et al. 2021. PubMed ID: 33903021; Fusco et al. 2011. PubMed ID: 21212451). This variant is reported in 0.0056% of alleles in individuals of Latino descent in gnomAD. Nonsense variants in GDAP1 are expected to be pathogenic. This variant is interpreted as pathogenic for autosomal recessive GDAP1-related disorders.

GeneDx
Classification: Pathogenic. Last evaluated: 2026-02-14. Review status: criteria provided, single submitter. Criteria: GeneDx Variant Classification Process June 2021. Collection method: clinical testing. Allele origin: germline. Affected: yes.
Comment: Identified with a pathogenic variant on the opposite allele (in trans) in siblings with early-onset axonal Charcot-Marie-Tooth type 4A in the published literature (PMID: 19500985); Nonsense variant predicted to result in protein truncation or nonsense mediated decay in a gene for which loss of function is a known mechanism of disease; This variant is associated with the following publications: (PMID: 25525159, 21212451, 33903021, 38523675, 38871447, 40588830, 19500985)

3billion
Classification: Pathogenic for Charcot-Marie-Tooth disease type 4A. Last evaluated: 2025-12-17. Review status: criteria provided, single submitter. Criteria: ACMG Guidelines, 2015. Collection method: clinical testing. Allele origin: germline. Affected: yes.
Comment: The variant is observed at an extremely low frequency in the gnomAD v4.1.0 dataset (total allele frequency: <0.001%). Predicted Consequence/Location: Stop-gained (nonsense): predicted to result in a loss or disruption of normal protein function through nonsense-mediated decay (NMD) or protein truncation. Multiple pathogenic variants are reported downstream of the variant. The variant has been reported to be in trans with a pathogenic variant as either compound heterozygous or homozygous in at least one similarly affected unrelated individual (PMID: 19500985). The variant has been reported to co-segregate with the disease in at least one similarly affected relative/individual in the same family or similarly affected unrelated families (PMID: 19500985). The variant has been reported at least twice as pathogenic with clinical assertions and evidence for the classification (ClinVar ID: VCV000217229 /PMID: 19500985). Therefore, this variant is classified as Pathogenic according to the recommendation of ACMG/AMP guideline.

Kariminejad - Najmabadi Pathology & Genetics Center
Classification: Pathogenic for Charcot-Marie-Tooth disease axonal type 2K; Charcot-Marie-Tooth disease, axonal, with vocal cord paresis, autosomal recessive; Charcot-Marie-Tooth disease recessive intermediate A; Charcot-Marie-Tooth disease type 4A. Last evaluated: 2023-10-23. Review status: criteria provided, single submitter. Criteria: ACMG Guidelines, 2015. Collection method: clinical testing. Allele origin: germline. Inheritance: Autosomal recessive inheritance. Affected: yes.
Comment: PVS1,PM2,PP5,PM3

Labcorp Genetics (formerly Invitae), Labcorp
Classification: Pathogenic for Charcot-Marie-Tooth disease type 4A. Last evaluated: 2023-09-04. Review status: criteria provided, single submitter. Criteria: Invitae Variant Classification Sherloc (09022015). Collection method: clinical testing. Allele origin: germline.
Comment: For these reasons, this variant has been classified as Pathogenic. ClinVar contains an entry for this variant (Variation ID: 217229). This premature translational stop signal has been observed in individual(s) with clinical features of autosomal recessive Charcot-Marie-Tooth disease (PMID: 19500985, 21212451). In at least one individual the data is consistent with being in trans (on the opposite chromosome) from a pathogenic variant. It has also been observed to segregate with disease in related individuals. This variant is present in population databases (rs745663149, gnomAD 0.006%). This sequence change creates a premature translational stop signal (p.Arg125*) in the GDAP1 gene. It is expected to result in an absent or disrupted protein product. Loss-of-function variants in GDAP1 are known to be pathogenic (PMID: 11743580).

Fulgent Genetics
Classification: Pathogenic for Charcot-Marie-Tooth disease type 4A; Charcot-Marie-Tooth disease, axonal, with vocal cord paresis, autosomal recessive; Charcot-Marie-Tooth disease axonal type 2K; Charcot-Marie-Tooth disease recessive intermediate A. Last evaluated: 2022-02-25. Review status: criteria provided, single submitter. Criteria: ACMG Guidelines, 2015. Collection method: clinical testing. Allele origin: unknown.

Genomic Research Center, Shahid Beheshti University of Medical Sciences
Classification: Pathogenic for Charcot-Marie-Tooth disease type 4A. Last evaluated: 2018-03-05. Review status: criteria provided, single submitter. Criteria: ACMG Guidelines, 2015. Collection method: clinical testing. Allele origin: inherited. Affected: yes. Observed: 1 variant allele.

Genomic Research Center, Shahid Beheshti University of Medical Sciences
Classification: Pathogenic for Charcot-Marie-Tooth disease axonal type 2K. Last evaluated: 2018-03-05. Review status: criteria provided, single submitter. Criteria: ACMG Guidelines, 2015. Collection method: clinical testing. Allele origin: inherited. Affected: yes. Observed: 1 variant allele.

Genomic Research Center, Shahid Beheshti University of Medical Sciences
Classification: Pathogenic for Charcot-Marie-Tooth disease recessive intermediate A. Last evaluated: 2018-03-05. Review status: criteria provided, single submitter. Criteria: ACMG Guidelines, 2015. Collection method: clinical testing. Allele origin: inherited. Affected: yes. Observed: 1 variant allele.

Athena Diagnostics
Classification: Pathogenic for Charcot-Marie-Tooth disease, type 4A. Last evaluated: 2014-05-27. Review status: criteria provided, single submitter. Criteria: Athena Diagnostics Criteria. Collection method: clinical testing. Allele origin: germline. Inheritance: Autosomal recessive inheritance.

Juno Genomics, Hangzhou Juno Genomics, Inc
Classification: Pathogenic for Charcot-Marie-Tooth disease axonal type 2K; Charcot-Marie-Tooth disease, axonal, with vocal cord paresis, autosomal recessive; Charcot-Marie-Tooth disease recessive intermediate A; Charcot-Marie-Tooth disease type 4A. Review status: criteria provided, single submitter. Criteria: ACMG Guidelines, 2015. Collection method: clinical testing. Allele origin: germline.
Comment: Absent from controls (or at extremely low frequency if recessive) in Genome Aggregation Database.;Null variant in a gene where loss of function (LOF) is a known mechanism of disease.;For recessive disorders, detected in trans with a pathogenic variant.

Inherited Neuropathy Consortium Ii, University Of Miami
Classification: Uncertain significance for Charcot-Marie-Tooth disease type 4A. Last evaluated: 2016-01-06. Review status: no assertion criteria provided. Collection method: literature only. Allele origin: germline. Affected: yes. Not counted in ClinVar's aggregate classification.

Literature cited by the submitters: PubMed 19500985 (cited by 5 submitters); PubMed 21212451 (cited by 3 submitters); PubMed 38523675 (cited by Dasa); PubMed 11743580 (cited by Labcorp Genetics (formerly Invitae), Labcorp).